The following is an entry in ClinVar:

ClinVar aggregate classification (germline): Uncertain significance (1 of 4 stars; one submission).

Conditions:
Diffuse cerebral and cerebellar atrophy - intractable seizures - progressive microcephaly syndrome. Also called: Microcephaly, progressive, with seizures and cerebral and cerebellar atrophy. Identifiers: Orphanet 404437, MedGen C4014239, MONDO:0014335, OMIM 615760.

Allele frequency attached by ClinVar (database versions not stated): gnomAD exomes below 0.00001; ExAC 0.00001.

Submission:

Labcorp Genetics (formerly Invitae), Labcorp
Classification: Uncertain significance for Diffuse cerebral and cerebellar atrophy - intractable seizures - progressive microcephaly syndrome. Last evaluated: 2024-03-11. Review status: criteria provided, single submitter. Criteria: Invitae Variant Classification Sherloc (09022015). Collection method: clinical testing. Allele origin: germline.
Comment: This sequence change replaces proline, which is neutral and non-polar, with serine, which is neutral and polar, at codon 550 of the QARS protein (p.Pro550Ser). This variant is present in population databases (rs765660706, gnomAD 0.006%). This variant has not been reported in the literature in individuals affected with QARS-related conditions. ClinVar contains an entry for this variant (Variation ID: 2189566). Advanced modeling of protein sequence and biophysical properties (such as structural, functional, and spatial information, amino acid conservation, physicochemical variation, residue mobility, and thermodynamic stability) has been performed at Invitae for this missense variant, however the output from this modeling did not meet the statistical confidence thresholds required to predict the impact of this variant on QARS protein function. In summary, the available evidence is currently insufficient to determine the role of this variant in disease. Therefore, it has been classified as a Variant of Uncertain Significance.

NM_005051.3(QARS1):c.1648C>T (p.Pro550Ser)

Gene: QARS1 (glutaminyl-tRNA synthetase 1; minus strand). Cytogenetic location: 3p21.31.
Variant type: single nucleotide variant.
Coding change: c.1648C>T on transcript NM_005051.3 (MANE Select); coding-DNA position 1648, C replaced by T.
Protein change: p.Pro550Ser; replaces proline 550 with serine.
Molecular consequence: missense variant. On other transcripts: non-coding transcript variant (1).
Genome position (GRCh38, 1-based): chr3:49,099,220, G>A on the plus strand (C>T on the coding strand, the complement: QARS1 is on the minus strand). VCF-style: chr3-49099220-G-A. GRCh37 (hg19) VCF-style: chr3-49136653-G-A.
Other names: c.1615C>T, p.Pro539Ser (NM_001272073.2); short protein forms P539S, P550S.
Identifiers: ClinVar variation 2189566 (VCV002189566.3), dbSNP rs765660706, ClinGen allele CA2391682.